The following is an entry in ClinVar:

NM_198578.4(LRRK2):c.2115T>A (p.Asp705Glu)

Gene: LRRK2 (leucine rich repeat kinase 2; plus strand). Cytogenetic location: 12q12.
Variant type: single nucleotide variant.
Coding change: c.2115T>A on transcript NM_198578.4 (MANE Select); coding-DNA position 2115, T replaced by A.
Protein change: p.Asp705Glu; replaces aspartic acid 705 with glutamic acid.
Molecular consequence: missense variant.
Genome position (GRCh38, 1-based): chr12:40,278,135, T>A. VCF-style: chr12-40278135-T-A. GRCh37 (hg19) VCF-style: chr12-40671937-T-A.
Other names: short protein forms D705E.
Identifiers: ClinVar variation 2453023 (VCV002453023.2), dbSNP rs1270136017, ClinGen allele CA384405060.

ClinVar aggregate classification (germline): Uncertain significance (1 of 4 stars; one submission).

Conditions:
Inborn genetic diseases. Identifiers: MedGen C0950123, MeSH D030342.

Submission:

Ambry Genetics
Classification: Uncertain significance for Inborn genetic diseases. Last evaluated: 2022-11-20. Review status: criteria provided, single submitter. Criteria: Ambry Variant Classification Scheme 2023. Collection method: clinical testing. Allele origin: germline.
Comment: The p.D705E variant (also known as c.2115T>A), located in coding exon 18 of the LRRK2 gene, results from a T to A substitution at nucleotide position 2115. The aspartic acid at codon 705 is replaced by glutamic acid, an amino acid with highly similar properties. This amino acid position is conserved. In addition, this alteration is predicted to be tolerated by in silico analysis. Since supporting evidence is limited at this time, the clinical significance of this alteration remains unclear.